The following is an entry in ClinVar:

ClinVar aggregate classification (germline): Uncertain significance (1 of 4 stars; one submission).

Submission:

Labcorp Genetics (formerly Invitae), Labcorp
Classification: Uncertain significance. Last evaluated: 2024-12-23. Review status: criteria provided, single submitter. Criteria: Invitae Variant Classification Sherloc (09022015). Collection method: clinical testing. Allele origin: germline.
Comment: This sequence change falls in intron 20 of the NEDD4L gene. It does not directly change the encoded amino acid sequence of the NEDD4L protein. It affects a nucleotide within the consensus splice site. This variant is not present in population databases (gnomAD no frequency). This variant has not been reported in the literature in individuals affected with NEDD4L-related conditions. Variants that disrupt the consensus splice site are a relatively common cause of aberrant splicing (PMID: 17576681, 9536098). Algorithms developed to predict the effect of sequence changes on RNA splicing suggest that this variant may disrupt the consensus splice site. In summary, the available evidence is currently insufficient to determine the role of this variant in disease. Therefore, it has been classified as a Variant of Uncertain Significance.

Literature cited by the submitters: PubMed 17576681; PubMed 9536098.

NM_001144967.3(NEDD4L):c.2063+2dup

Gene: NEDD4L (NEDD4 like E3 ubiquitin protein ligase; plus strand). Cytogenetic location: 18q21.31.
Variant type: Duplication.
Coding change: c.2063+2dup on transcript NM_001144967.3 (MANE Select); the canonical splice donor site of the intron after coding-DNA position 2063, one base duplicated (T; older notation c.2063+2dupT).
Molecular consequence: splice donor variant.
Genome position (GRCh38, 1-based): chr18:58,366,230, T duplicated. VCF-style (leftmost placement, unchanged base first): chr18-58366229-G-GT. GRCh37 (hg19) VCF-style: chr18-56033461-G-GT.
Other names: c.2003+2dup (NM_015277.6); c.1871+2dup (NM_001243960.2); c.1700+2dup (NM_001144964.1, NM_001144965.2, NM_001144966.3); c.1640+2dup (NM_001144971.2, NM_001144970.3); c.2039+2dup (NM_001144968.2); c.1979+2dup (NM_001144969.2).
Identifiers: ClinVar variation 3668563 (VCV003668563.2).